The following is an entry in ClinVar:

NM_000363.5(TNNI3):c.575G>T (p.Arg192Leu)

Gene: TNNI3 (troponin I3, cardiac type; minus strand). Cytogenetic location: 19q13.42.
Variant type: single nucleotide variant.
Coding change: c.575G>T on transcript NM_000363.5 (MANE Select); coding-DNA position 575, G replaced by T.
Protein change: p.Arg192Leu; replaces arginine 192 with leucine.
Molecular consequence: missense variant.
Genome position (GRCh38, 1-based): chr19:55,151,892, C>A on the plus strand (G>T on the coding strand, the complement: TNNI3 is on the minus strand). VCF-style: chr19-55151892-C-A. GRCh37 (hg19) VCF-style: chr19-55663260-C-A.
Other names: short protein forms R192L.
Identifiers: ClinVar variation 177831 (VCV000177831.5), dbSNP rs104894729, ClinGen allele CA021971.

ClinVar aggregate classification (germline): Likely pathogenic (0 of 4 stars; one submission).

Conditions:
Hypertrophic cardiomyopathy. Also called: HYPERTROPHIC MYOCARDIOPATHY. Identifiers: Orphanet 217569, MedGen C0007194, MeSH D002312, MONDO:0005045, HP:0001639.

Submission:

Laboratory for Molecular Medicine, Mass General Brigham Personalized Medicine
Classification: Likely pathogenic for Hypertrophic cardiomyopathy. Last evaluated: 2013-02-13. Review status: no assertion criteria provided. Collection method: clinical testing. Allele origin: germline. Observed: 1 variant allele.
Comment: proposed classification - variant undergoing re-assessment, contact laboratory